The following is an entry in ClinVar:

ClinVar aggregate classification (germline): Uncertain significance. Review status: criteria provided, multiple submitters, no conflicts (2 of 4 stars). 2 submissions from 2 submitters: Uncertain significance (2). Last evaluated 2025-08-13.

Conditions:
Renal cell carcinoma. Identifiers: Orphanet 217071, MedGen C0007134, MeSH D002292, MONDO:0005086, HP:0005584.
Hereditary cancer-predisposing syndrome. Also called: Hereditary neoplastic syndrome; Tumor predisposition; Neoplastic Syndromes, Hereditary; Hereditary Cancer Syndrome. Identifiers: Orphanet 140162, MedGen C0027672, MeSH D009386, MONDO:0015356.

Submissions (2):

Labcorp Genetics (formerly Invitae), Labcorp
Classification: Uncertain significance for Renal cell carcinoma. Last evaluated: 2025-08-13. Review status: criteria provided, single submitter. Criteria: Invitae Variant Classification Sherloc (09022015). Collection method: clinical testing. Allele origin: germline.
Comment: This sequence change replaces cysteine, which is neutral and slightly polar, with phenylalanine, which is neutral and non-polar, at codon 624 of the MET protein (p.Cys624Phe). This variant is not present in population databases (gnomAD no frequency). This variant has not been reported in the literature in individuals affected with MET-related conditions. ClinVar contains an entry for this variant (Variation ID: 956826). Invitae Evidence Modeling of protein sequence and biophysical properties (such as structural, functional, and spatial information, amino acid conservation, physicochemical variation, residue mobility, and thermodynamic stability) has been performed for this missense variant. However, the output from this modeling did not meet the statistical confidence thresholds required to predict the impact of this variant on MET protein function. In summary, the available evidence is currently insufficient to determine the role of this variant in disease. Therefore, it has been classified as a Variant of Uncertain Significance.

Ambry Genetics
Classification: Uncertain significance for Hereditary cancer-predisposing syndrome. Last evaluated: 2022-04-05. Review status: criteria provided, single submitter. Criteria: Ambry Variant Classification Scheme 2023. Collection method: clinical testing. Allele origin: germline.
Comment: The p.C624F variant (also known as c.1871G>T), located in coding exon 6 of the MET gene, results from a G to T substitution at nucleotide position 1871. The cysteine at codon 624 is replaced by phenylalanine, an amino acid with highly dissimilar properties. This amino acid position is conserved. In addition, this alteration is predicted to be deleterious by in silico analysis. Since supporting evidence is limited at this time, the clinical significance of this alteration remains unclear.

NM_000245.4(MET):c.1871G>T (p.Cys624Phe)

Gene: MET (MET proto-oncogene, receptor tyrosine kinase; plus strand). Cytogenetic location: 7q31.2.
Variant type: single nucleotide variant.
Coding change: c.1871G>T on transcript NM_000245.4 (MANE Select); coding-DNA position 1871, G replaced by T.
Protein change: p.Cys624Phe; replaces cysteine 624 with phenylalanine.
Molecular consequence: missense variant.
Genome position (GRCh38, 1-based): chr7:116,757,445, G>T. VCF-style: chr7-116757445-G-T. GRCh37 (hg19) VCF-style: chr7-116397499-G-T.
Other names: c.1871G>T, p.Cys624Phe (NM_001127500.3, NM_001324401.3); c.581G>T, p.Cys194Phe (NM_001324402.2); short protein forms C194F, C624F.
Identifiers: ClinVar variation 956826 (VCV000956826.12), dbSNP rs1794220294, ClinGen allele CA368979224.